The following is an entry in ClinVar:

ClinVar aggregate classification (germline): Uncertain significance. Review status: criteria provided, single submitter (1 of 4 stars). 2 submissions from 2 submitters: Uncertain significance (1). 1 of the submissions does not count toward it. Last evaluated 2020-09-28.

Conditions:
SFTPC-related disorder. Also called: SFTPC-related condition.

Allele frequency attached by ClinVar (database versions not stated): gnomAD exomes below 0.00001; TOPMed below 0.00001; gnomAD 0.00001.
gnomAD v4.1: 7 of 1,613,784 alleles (0.00043%); highest among the groups gnomAD compares: Non-Finnish European, 0.00059%; no homozygotes.

Submissions (2):

Blueprint Genetics
Classification: Uncertain significance. Last evaluated: 2020-09-28. Review status: criteria provided, single submitter. Criteria: ACMG Guidelines, 2015. Collection method: clinical testing. Allele origin: germline.

PreventionGenetics, part of Exact Sciences
Classification: Uncertain significance for SFTPC-related condition. Last evaluated: 2024-01-23. Review status: no assertion criteria provided. Collection method: clinical testing. Allele origin: germline. Not counted in ClinVar's aggregate classification.
Comment: The SFTPC c.38C>T variant is predicted to result in the amino acid substitution p.Pro13Leu. To our knowledge, this variant has not been reported in the literature or in a large population database, indicating this variant is rare. At this time, the clinical significance of this variant is uncertain due to the absence of conclusive functional and genetic evidence.

NM_001317778.2(SFTPC):c.38C>T (p.Pro13Leu)

Gene: SFTPC (surfactant protein C; plus strand). Cytogenetic location: 8p21.3.
Variant type: single nucleotide variant.
Coding change: c.38C>T on transcript NM_001317778.2 (MANE Select); coding-DNA position 38, C replaced by T.
Protein change: p.Pro13Leu; replaces proline 13 with leucine.
Molecular consequence: missense variant.
Genome position (GRCh38, 1-based): chr8:22,161,866, C>T. VCF-style: chr8-22161866-C-T. GRCh37 (hg19) VCF-style: chr8-22019379-C-T.
Other names: c.38C>T, p.Pro13Leu (NM_001172357.2, NM_001172410.2, NM_001317779.2 and 10 more transcripts); short protein forms P13L.
Identifiers: ClinVar variation 3032743 (VCV003032743.3), dbSNP rs1827738719, ClinGen allele CA370536602.